The following is an entry in ClinVar:

NM_000834.5(GRIN2B):c.2384_2391del (p.Leu795fs)

Gene: GRIN2B (glutamate ionotropic receptor NMDA type subunit 2B; minus strand). Cytogenetic location: 12p13.1.
Variant type: Deletion.
Coding change: c.2384_2391del on transcript NM_000834.5 (MANE Select); coding-DNA positions 2384 to 2391, 8 bases deleted (TCTGGCTC; older notation c.2384_2391delTCTGGCTC).
Protein change: p.Leu795fs; shifts the reading frame from leucine 795.
Molecular consequence: frameshift variant.
Genome position (GRCh38, 1-based): chr12:13,567,232-13,567,239, GAGCCAGA deleted on the plus strand (TCTGGCTC on the coding strand, the reverse complement: GRIN2B is on the minus strand); deleting any 8 consecutive bases within chr12:13,567,232-13,567,243 gives the same sequence; the c. name uses the placement nearest the transcript's 3' end. VCF-style (leftmost placement, unchanged base first): chr12-13567231-TGAGCCAGA-T. GRCh37 (hg19) VCF-style: chr12-13720165-TGAGCCAGA-T.
Other names: c.2384_2391del, p.Leu795fs (NM_001413992.1); short protein forms L795fs.
Identifiers: ClinVar variation 5016752 (VCV005016752.1).
Genomic context (GRCh38, chr12:13,567,231, plus strand): 5'-TGTTGTCAATGTCCAGCTGGCTGCTCATGACCTCATTCTTCTCATTGTGACAAATGCCAG[TGAGCCAGA>T]GAGCTTCCAGTTCTTCCATCTCCCCTGGGGAAAGGACAGAGAAGGAAAATGGATAAAAAG-3'

ClinVar aggregate classification (germline): Pathogenic (1 of 4 stars; one submission).

Submission:

GeneDx
Classification: Pathogenic. Last evaluated: 2026-04-09. Review status: criteria provided, single submitter. Criteria: GeneDx Variant Classification Process June 2021. Collection method: clinical testing. Allele origin: germline.
Comment: Frameshift variant predicted to result in protein truncation or nonsense mediated decay in a gene for which loss of function is a known mechanism of disease; Not observed at significant frequency in large population cohorts (gnomAD); Apparently de novo variant in a patient with neurodevelopmental features; however, specific clinical information was not provided (PMID: 28191889); This variant is associated with the following publications: (PMID: 33004838, 28191889)